The following is an entry in ClinVar:

ClinVar aggregate classification (germline): Uncertain significance (1 of 4 stars; one submission).

Conditions:
Inborn genetic diseases. Identifiers: MedGen C0950123, MeSH D030342.

gnomAD v4.1: 5 of 1,591,648 alleles (0.00031%); highest among the groups gnomAD compares: Non-Finnish European, 0.00034%; no homozygotes.

Submission:

Ambry Genetics
Classification: Uncertain significance for Inborn genetic diseases. Last evaluated: 2026-06-12. Review status: criteria provided, single submitter. Criteria: Ambry Variant Classification Scheme 2023. Collection method: clinical testing. Allele origin: germline.
Comment: The p.T481M variant (also known as c.1442C>T), located in coding exon 16 of the RTEL1 gene, results from a C to T substitution at nucleotide position 1442. The threonine at codon 481 is replaced by methionine, an amino acid with similar properties. This amino acid position is conserved. In addition, this alteration is predicted to be deleterious by in silico analysis. Based on the available evidence, the clinical significance of this variant remains unclear.

NM_001283009.2(RTEL1):c.1442C>T (p.Thr481Met)

Genes: RTEL1 (regulator of telomere elongation helicase 1; plus strand), RTEL1-TNFRSF6B (RTEL1-TNFRSF6B readthrough (NMD candidate); plus strand). Cytogenetic location: 20q13.33.
Variant type: single nucleotide variant.
Coding change: c.1442C>T on transcript NM_001283009.2 (MANE Select); coding-DNA position 1442, C replaced by T.
Protein change: p.Thr481Met; replaces threonine 481 with methionine.
Molecular consequence: missense variant. On other transcripts: non-coding transcript variant (1).
Genome position (GRCh38, 1-based): chr20:63,687,731, C>T. VCF-style: chr20-63687731-C-T. GRCh37 (hg19) VCF-style: chr20-62319084-C-T.
Other names: c.773C>T, p.Thr258Met (NM_001283010.1); c.1442C>T, p.Thr481Met (NM_016434.4); c.1514C>T, p.Thr505Met (NM_032957.5); short protein forms T258M, T481M, T505M.
Identifiers: ClinVar variation 4863618 (VCV004863618.1).
Genomic context (GRCh38, chr20:63,687,731, plus strand): 5'-GCCACAGCATGCACGAGCTGGTCCGCCAGGGCGTCCGCTCCCTCATCCTTACCAGCGGCA[C>T]GCTGGCCCCGGTGTCCTCCTTTGCTCTGGAGATGCAGATGTACGGGCCACCCCTGCCAGG-3'
Protein context (NP_001269938.1, residues 471-491): GVRSLILTSG[Thr481Met]LAPVSSFALE